The following continues an entry in ClinVar:

NM_023110.3(FGFR1):c.1638C>A (p.Asn546Lys)

Gene: FGFR1. ClinVar aggregate classification (germline): Pathogenic. Pathogenic (4). ClinVar aggregate classification (somatic clinical impact): Tier I - Strong. ClinVar aggregate classification (oncogenicity): Oncogenic.

Submissions 9 to 15 of 15:

Institute for Genomic Medicine (IGM) Clinical Laboratory, Nationwide Children's Hospital
Classification: Tier I - Strong for Embryonal rhabdomyosarcoma. Assertion type: diagnostic. Clinical significance: supports diagnosis. Last evaluated: 2022-11-15. Review status: criteria provided, single submitter. Criteria: AMP/ASCO/CAP Guidelines, 2017. Collection method: clinical testing. Allele origin: somatic. Affected: yes.
Comment: Variant has Tier I (strong) clinical significance as a diagnostic inclusion criterion in embryonal rhabdomyosarcoma, based on the following evidence: 1) Documented in one or more cancer databases (e.g., St. Jude Pecan, COSMIC, CIViC, OncoKB). 2) Information in the literature supports potential biologic effect of variant (PMID: 19224897). 3) Diagnostic for a specific tumor type/classification based on well-powered studies with expert-level consensus (Evidence Level B; PMIDs: 24436047, 34166060).

Institute for Genomic Medicine (IGM) Clinical Laboratory, Nationwide Children's Hospital
Classification: Tier I - Strong for Dysembryoplastic neuroepithelial tumor. Assertion type: diagnostic. Clinical significance: supports diagnosis. Last evaluated: 2022-10-03. Review status: criteria provided, single submitter. Criteria: AMP/ASCO/CAP Guidelines, 2017. Collection method: clinical testing. Allele origin: somatic. Affected: yes.
Comment: Variant has Tier I (strong) clinical significance as a diagnostic inclusion criterion in dysembryoplastic neuroepithelial tumor, based on the following evidence: 1) Documented in one or more cancer databases (e.g., St. Jude Pecan, COSMIC, CIViC, OncoKB). 2) Appears in one or more well-established professional guidelines (e.g., World Health Organization [WHO]; National Comprehensive Cancer Network [NCCN]) as providing diagnostic, prognostic, or therapeutic information (PMID: 34185076). 3) Information in the literature supports potential biologic effect of variant (PMID: 19224897). 4) Diagnostic for a specific tumor type/classification according to professional guidelines (Evidence Level A; PMIDs: 34185076, 26920151, 26810070, 31617914).

Donald Williams Parsons Laboratory, Baylor College of Medicine
Classification: Pathogenic for Rosette-forming glioneuronal tumor. Review status: criteria provided, single submitter. Criteria: Parsons' et. al 2016. Collection method: clinical testing. Allele origin: somatic. Affected: yes. Observed: 1 heterozygote. Study: CSER-BASIC3.
Comment: The exon 12 missense FGFR1 mutation identified (c.1638C>A; p.N546K) occurs within the kinase domain of the protein and is the most frequent somatic FGFR1 mutation reported to date, having been found in both low and high grade gliomas and glioneuronal tumors (Forbes et al. 2015, Gessi et al. 2014). It has been shown to activate mitogen-activated protein kinase (MAPK) and PI3K/AKT/mTOR signaling pathways (Turner et al. 2010, Zhang et al. 2013).

Equipe Genetique des Anomalies du Developpement, Université de Bourgogne
Classification: Pathogenic for Encephalocraniocutaneous lipomatosis. Review status: criteria provided, single submitter. Criteria: ACMG Guidelines, 2015. Collection method: clinical testing. Allele origin: somatic. Affected: yes.

University of Washington Center for Mendelian Genomics, University of Washington
Classification: Likely pathogenic for Encephalocraniocutaneous lipomatosis. Last evaluated: 2017-05-25. Review status: no assertion criteria provided. Collection method: research. Allele origin: unknown. Affected: yes. Observed: 3 mosaic individuals. Not counted in ClinVar's aggregate classification.

OMIM
Classification: Pathogenic for ENCEPHALOCRANIOCUTANEOUS LIPOMATOSIS. Last evaluated: 2016-08-11. Review status: no assertion criteria provided. Collection method: literature only. Allele origin: unknown. Not counted in ClinVar's aggregate classification.

GeneReviews
No classification provided. Condition: Encephalocraniocutaneous lipomatosis. Review status: no classification provided. Collection method: literature only. Allele origin: somatic. Not counted in ClinVar's aggregate classification.

Literature cited by the submitters: PubMed 19224897 (cited by Institute for Genomic Medicine (IGM) Clinical Laboratory, Nationwide Children's Hospital); PubMed 23817572 (cited by Institute for Genomic Medicine (IGM) Clinical Laboratory, Nationwide Children's Hospital and Center for Genomic Medicine, Rigshospitalet, Copenhagen University Hospital); PubMed 14602678 (cited by Institute for Genomic Medicine (IGM) Clinical Laboratory, Nationwide Children's Hospital); PubMed 29533785 (cited by Institute for Genomic Medicine (IGM) Clinical Laboratory, Nationwide Children's Hospital and Center for Genomic Medicine, Rigshospitalet, Copenhagen University Hospital); PubMed 27626068 (cited by Institute for Genomic Medicine (IGM) Clinical Laboratory, Nationwide Children's Hospital and Donald Williams Parsons Laboratory, Baylor College of Medicine); PubMed 31250151 (cited by Institute for Genomic Medicine (IGM) Clinical Laboratory, Nationwide Children's Hospital); PubMed 32859279 (cited by Institute for Genomic Medicine (IGM) Clinical Laboratory, Nationwide Children's Hospital); PubMed 34185076 (cited by Institute for Genomic Medicine (IGM) Clinical Laboratory, Nationwide Children's Hospital); PubMed 35018490 (cited by Institute for Genomic Medicine (IGM) Clinical Laboratory, Nationwide Children's Hospital); PubMed 28966033 (cited by Institute for Genomic Medicine (IGM) Clinical Laboratory, Nationwide Children's Hospital); PubMed 31348837 (cited by Institute for Genomic Medicine (IGM) Clinical Laboratory, Nationwide Children's Hospital); PubMed 24880341 (cited by Institute for Genomic Medicine (IGM) Clinical Laboratory, Nationwide Children's Hospital); PubMed 37524847 (cited by Institute for Genomic Medicine (IGM) Clinical Laboratory, Nationwide Children's Hospital); PubMed 28912153 (cited by Institute for Genomic Medicine (IGM) Clinical Laboratory, Nationwide Children's Hospital); PubMed 25230881 (cited by Institute for Genomic Medicine (IGM) Clinical Laboratory, Nationwide Children's Hospital); PubMed 35488346 (cited by Center for Genomic Medicine, Rigshospitalet, Copenhagen University Hospital); PubMed 26179511 (cited by Center for Genomic Medicine, Rigshospitalet, Copenhagen University Hospital); PubMed 33056981 (cited by Institute for Genomic Medicine (IGM) Clinical Laboratory, Nationwide Children's Hospital); PubMed 23334666 (cited by Institute for Genomic Medicine (IGM) Clinical Laboratory, Nationwide Children's Hospital); PubMed 30523111 (cited by Institute for Genomic Medicine (IGM) Clinical Laboratory, Nationwide Children's Hospital); PubMed 26121087 (cited by Institute for Genomic Medicine (IGM) Clinical Laboratory, Nationwide Children's Hospital); PubMed 36973454 (cited by Institute for Genomic Medicine (IGM) Clinical Laboratory, Nationwide Children's Hospital); PubMed 24705251 (cited by Institute for Genomic Medicine (IGM) Clinical Laboratory, Nationwide Children's Hospital); PubMed 29763623 (cited by Institute for Genomic Medicine (IGM) Clinical Laboratory, Nationwide Children's Hospital); PubMed 289660 (cited by Institute for Genomic Medicine (IGM) Clinical Laboratory, Nationwide Children's Hospital); PubMed 29881993 (cited by Institute for Genomic Medicine (IGM) Clinical Laboratory, Nationwide Children's Hospital); PubMed 32291395 (cited by Institute for Genomic Medicine (IGM) Clinical Laboratory, Nationwide Children's Hospital); PubMed 36966138 (cited by Institute for Genomic Medicine (IGM) Clinical Laboratory, Nationwide Children's Hospital); PubMed 34674226 (cited by Institute for Genomic Medicine (IGM) Clinical Laboratory, Nationwide Children's Hospital); PubMed 24436047 (cited by Institute for Genomic Medicine (IGM) Clinical Laboratory, Nationwide Children's Hospital); PubMed 34166060 (cited by Institute for Genomic Medicine (IGM) Clinical Laboratory, Nationwide Children's Hospital); PubMed 26920151 (cited by Institute for Genomic Medicine (IGM) Clinical Laboratory, Nationwide Children's Hospital); PubMed 26810070 (cited by Institute for Genomic Medicine (IGM) Clinical Laboratory, Nationwide Children's Hospital); PubMed 31617914 (cited by Institute for Genomic Medicine (IGM) Clinical Laboratory, Nationwide Children's Hospital); PubMed 26942290 (cited by 3 submitters); PubMed 10766980 (cited by OMIM); PubMed 23819449 (cited by OMIM); NCBI Bookshelf NBK576966 (cited by GeneReviews).